The following is an entry in ClinVar:

NM_001330260.2(SCN8A):c.3442G>A (p.Val1148Met)

Gene: SCN8A (sodium voltage-gated channel alpha subunit 8; plus strand). Cytogenetic location: 12q13.13.
Variant type: single nucleotide variant.
Coding change: c.3442G>A on transcript NM_001330260.2 (MANE Select); coding-DNA position 3442, G replaced by A.
Protein change: p.Val1148Met; replaces valine 1148 with methionine.
Molecular consequence: missense variant.
Genome position (GRCh38, 1-based): chr12:51,769,937, G>A. VCF-style: chr12-51769937-G-A. GRCh37 (hg19) VCF-style: chr12-52163721-G-A.
Other names: c.3442G>A, p.Val1148Met (NM_001177984.3, NM_001369788.1, NM_014191.4); short protein forms V1148M.
Identifiers: ClinVar variation 309360 (VCV000309360.13), dbSNP rs536452913, ClinGen allele CA6571603.
Genomic context (GRCh38, chr12:51,769,937, plus strand): 5'-GACACCAGCTCCTCTGAAGGAAGCACCATTGATATCAAACCAGAAGTAGAAGAGGTCCCT[G>A]TGGAACAGCCTGAGGAATACTTGGATCCAGATGCCTGCTTCACAGAAGGTGAAAGGGGAT-3'
Protein context (NP_001317189.1, residues 1138-1158): DIKPEVEEVP[Val1148Met]EQPEEYLDPD

ClinVar aggregate classification (germline): Likely benign. Review status: criteria provided, single submitter (1 of 4 stars). 2 submissions from 2 submitters: Likely benign (1). 1 of the submissions does not count toward it. Last evaluated 2024-11-05.

Conditions:
Early-infantile DEE. Also called: Early infantile epileptic encephalopathy; Early infantile epileptic encephalopathy with suppression bursts; Ohtahara syndrome. Identifiers: Orphanet 1934, MedGen C0393706, MONDO:0800491.
SCN8A-related disorder.

Allele frequency attached by ClinVar (database versions not stated): ExAC 0.00003; gnomAD exomes 0.00004 and 0.00007; TOPMed 0.00004; gnomAD 0.00005.
gnomAD v4.1: 112 of 1,607,722 alleles (0.007%); highest among the groups gnomAD compares: Non-Finnish European, 0.0087%; no homozygotes.

Submissions (2):

Labcorp Genetics (formerly Invitae), Labcorp
Classification: Likely benign for Early-infantile DEE. Last evaluated: 2024-11-05. Review status: criteria provided, single submitter. Criteria: Invitae Variant Classification Sherloc (09022015). Collection method: clinical testing. Allele origin: germline.

PreventionGenetics, part of Exact Sciences
Classification: Likely benign for SCN8A-related condition. Last evaluated: 2022-11-22. Review status: no assertion criteria provided. Collection method: clinical testing. Allele origin: germline. Not counted in ClinVar's aggregate classification.
Comment: This variant is classified as likely benign based on ACMG/AMP sequence variant interpretation guidelines (Richards et al. 2015 PMID: 25741868, with internal and published modifications).